The following is an entry in ClinVar:

ClinVar aggregate classification (germline): Uncertain significance (1 of 4 stars; one submission).

Conditions:
Erythrocytosis, familial, 3 (ECYT3). Identifiers: Orphanet 247511, MedGen C1853286, MONDO:0012353, OMIM 609820.

Submission:

Labcorp Genetics (formerly Invitae), Labcorp
Classification: Uncertain significance for Erythrocytosis, familial, 3. Last evaluated: 2023-07-17. Review status: criteria provided, single submitter. Criteria: Invitae Variant Classification Sherloc (09022015). Collection method: clinical testing. Allele origin: germline.
Comment: In summary, the available evidence is currently insufficient to determine the role of this variant in disease. Therefore, it has been classified as a Variant of Uncertain Significance. An algorithm developed to predict the effect of missense changes on protein structure and function (PolyPhen-2) suggests that this variant is likely to be tolerated. ClinVar contains an entry for this variant (Variation ID: 1008892). This variant has not been reported in the literature in individuals affected with EGLN1-related conditions. This variant is not present in population databases (gnomAD no frequency). This sequence change replaces alanine, which is neutral and non-polar, with serine, which is neutral and polar, at codon 118 of the EGLN1 protein (p.Ala118Ser).

NM_022051.3(EGLN1):c.352G>T (p.Ala118Ser)

Gene: EGLN1 (egl-9 family hypoxia inducible factor 1; minus strand). Cytogenetic location: 1q42.2.
Variant type: single nucleotide variant.
Coding change: c.352G>T on transcript NM_022051.3 (MANE Select); coding-DNA position 352, G replaced by T.
Protein change: p.Ala118Ser; replaces alanine 118 with serine.
Molecular consequence: missense variant.
Genome position (GRCh38, 1-based): chr1:231,421,537, C>A on the plus strand (G>T on the coding strand, the complement: EGLN1 is on the minus strand). VCF-style: chr1-231421537-C-A. GRCh37 (hg19) VCF-style: chr1-231557283-C-A.
Other names: c.352G>T, p.Ala118Ser (NM_001377260.1, NM_001377261.1); short protein forms A118S.
Identifiers: ClinVar variation 1008892 (VCV001008892.5), dbSNP rs1656606563, ClinGen allele CA345237520.